The following is an entry in ClinVar:

NM_001122630.2(CDKN1C):c.4_8dup (p.Leu4fs)

Gene: CDKN1C (cyclin dependent kinase inhibitor 1C; minus strand). Cytogenetic location: 11p15.4.
Variant type: Duplication.
Coding change: c.4_8dup on transcript NM_001122630.2 (MANE Select); coding-DNA positions 4 to 8, 5 bases duplicated (GAGCG; older notation c.4_8dupGAGCG).
Protein change: p.Leu4fs; shifts the reading frame from leucine 4.
Molecular consequence: frameshift variant, initiator codon variant.
Genome position (GRCh38, 1-based): chr11:2,885,449-2,885,453, CGCTC duplicated on the plus strand (GAGCG on the coding strand, the reverse complement: CDKN1C is on the minus strand); duplicating any 5 consecutive bases within chr11:2,885,449-2,885,454 gives the same sequence; the c. name uses the placement nearest the transcript's 3' end. VCF-style (leftmost placement, unchanged base first): chr11-2885448-A-ACGCTC. GRCh37 (hg19) VCF-style: chr11-2906678-A-ACGCTC.
Other names: c.37_41dup, p.Leu15fs (NM_000076.2, NM_001362474.2); c.4_8dup, p.Leu4fs (NM_001122631.2, NM_001362475.2); short protein forms L15fs, L4fs.
Identifiers: ClinVar variation 3644433 (VCV003644433.2).

ClinVar aggregate classification (germline): Pathogenic (1 of 4 stars; one submission).

Conditions:
Beckwith-Wiedemann syndrome (BWS). Also called: EMG SYNDROME; Exomphalos macroglossia gigantism syndrome. Identifiers: Orphanet 116, MedGen C0004903, MONDO:0007534, OMIM 130650.

Submission:

Labcorp Genetics (formerly Invitae), Labcorp
Classification: Pathogenic for Beckwith-Wiedemann syndrome. Last evaluated: 2024-03-04. Review status: criteria provided, single submitter. Criteria: Invitae Variant Classification Sherloc (09022015). Collection method: clinical testing. Allele origin: germline.
Comment: This sequence change creates a premature translational stop signal (p.Leu15Serfs*12) in the CDKN1C gene. It is expected to result in an absent or disrupted protein product. Loss-of-function variants in CDKN1C are known to be pathogenic (PMID: 20503313). This variant is not present in population databases (gnomAD no frequency). This variant has not been reported in the literature in individuals affected with CDKN1C-related conditions. For these reasons, this variant has been classified as Pathogenic.

Literature cited by the submitters: PubMed 20503313.